The following is an entry in ClinVar:

NM_004380.3(CREBBP):c.1845A>G (p.Thr615=)

Gene: CREBBP (CREB binding lysine acetyltransferase; minus strand). Cytogenetic location: 16p13.3.
Variant type: single nucleotide variant.
Coding change: c.1845A>G on transcript NM_004380.3 (MANE Select); coding-DNA position 1845, A replaced by G.
Protein change: p.Thr615=; no amino-acid change (threonine 615 retained).
Molecular consequence: synonymous variant.
Genome position (GRCh38, 1-based): chr16:3,778,796, T>C on the plus strand (A>G on the coding strand, the complement: CREBBP is on the minus strand). VCF-style: chr16-3778796-T-C. GRCh37 (hg19) VCF-style: chr16-3828797-T-C.
Other names: c.1731A>G, p.Thr577= (NM_001079846.1).
Identifiers: ClinVar variation 4994804 (VCV004994804.1).

ClinVar aggregate classification (germline): Likely benign (1 of 4 stars; one submission).

Conditions:
CREBBP-related disorder. Also called: CREBBP-related disorders; CREBBP-related condition.

gnomAD v4.1: 1 of 1,613,964 alleles (0.000062%); highest among the groups gnomAD compares: South Asian, 0.0011%; no homozygotes.

Submission:

PreventionGenetics, part of Exact Sciences
Classification: Likely benign for CREBBP-related condition. Last evaluated: 2025-10-01. Review status: criteria provided, single submitter. Criteria: ACMG Guidelines, 2015. Collection method: clinical testing. Allele origin: germline.
Comment: This variant is classified as likely benign based on ACMG/AMP sequence variant interpretation guidelines (Richards et al. 2015 PMID: 25741868, with internal and published modifications).